The following is an entry in ClinVar:

NC_000002.11:g.(?_215609781)_(215610588_?)del

Gene: BARD1 (BRCA1 associated RING domain 1; minus strand). Cytogenetic location: 2q35.
Variant type: Deletion.
Identifiers: ClinVar variation 2423125 (VCV002423125.4).

ClinVar aggregate classification (germline): Pathogenic (1 of 4 stars; one submission).

Conditions:
Familial cancer of breast. Also called: Hereditary breast cancer; hereditary breast carcinoma; BREAST CANCER, FAMILIAL. Identifiers: Orphanet 227535, MedGen C0346153, MONDO:0016419, OMIM 114480. Disease mechanism: loss of function.

Submission:

Labcorp Genetics (formerly Invitae), Labcorp
Classification: Pathogenic for Familial cancer of breast. Last evaluated: 2022-11-15. Review status: criteria provided, single submitter. Criteria: Invitae Variant Classification Sherloc (09022015). Collection method: clinical testing. Allele origin: germline.
Comment: This variant has not been reported in the literature in individuals affected with BARD1-related conditions. For these reasons, this variant has been classified as Pathogenic. This variant is a gross deletion of the genomic region encompassing exon(s) 8-9 of the BARD1 gene. This deletion is out-of-frame, and is expected to create a premature termination codon and result in an absent or disrupted protein product. Loss-of-function variants in BARD1 are known to be pathogenic (PMID: 20077502, 21344236).

Literature cited by the submitters: PubMed 20077502; PubMed 21344236.